The following is an entry in ClinVar:

ClinVar aggregate classification (germline): Uncertain significance. Review status: criteria provided, multiple submitters, no conflicts (2 of 4 stars). 2 submissions from 2 submitters: Uncertain significance (2). Last evaluated 2025-04-16.

Conditions:
Cone-rod dystrophy 2 (CORD2). Also called: CONE-ROD RETINAL DYSTROPHY; Cone-rod retinal dystrophy 2. Identifiers: Orphanet 1872, MedGen C3489532, MONDO:0007362, OMIM 120970.
Leber congenital amaurosis 7 (LCA7). Identifiers: Orphanet 65, MedGen C3151192, MONDO:0013449, OMIM 613829.

Allele frequency attached by ClinVar (database versions not stated): ExAC 0.00001; gnomAD exomes 0.00001.
gnomAD v4.1: 13 of 1,614,116 alleles (0.00081%); highest among the groups gnomAD compares: African/African-American, 0.004%; no homozygotes.

Submissions (2):

Labcorp Genetics (formerly Invitae), Labcorp
Classification: Uncertain significance for Cone-rod dystrophy 2; Leber congenital amaurosis 7. Last evaluated: 2025-04-16. Review status: criteria provided, single submitter. Criteria: Invitae Variant Classification Sherloc (09022015). Collection method: clinical testing. Allele origin: germline.
Comment: This sequence change replaces alanine, which is neutral and non-polar, with threonine, which is neutral and polar, at codon 15 of the CRX protein (p.Ala15Thr). This variant is present in population databases (rs559181643, gnomAD 0.004%). This variant has not been reported in the literature in individuals affected with CRX-related conditions. ClinVar contains an entry for this variant (Variation ID: 1413008). Invitae Evidence Modeling of protein sequence and biophysical properties (such as structural, functional, and spatial information, amino acid conservation, physicochemical variation, residue mobility, and thermodynamic stability) indicates that this missense variant is not expected to disrupt CRX protein function with a negative predictive value of 95%. In summary, the available evidence is currently insufficient to determine the role of this variant in disease. Therefore, it has been classified as a Variant of Uncertain Significance.

Blueprint Genetics
Classification: Uncertain significance. Last evaluated: 2023-07-18. Review status: criteria provided, single submitter. Criteria: ACMG Guidelines, 2015. Collection method: clinical testing. Allele origin: germline.

NM_000554.6(CRX):c.43G>A (p.Ala15Thr)

Gene: CRX (cone-rod homeobox; plus strand). Cytogenetic location: 19q13.33.
Variant type: single nucleotide variant.
Coding change: c.43G>A on transcript NM_000554.6 (MANE Select); coding-DNA position 43, G replaced by A.
Protein change: p.Ala15Thr; replaces alanine 15 with threonine.
Molecular consequence: missense variant.
Genome position (GRCh38, 1-based): chr19:47,834,486, G>A. VCF-style: chr19-47834486-G-A. GRCh37 (hg19) VCF-style: chr19-48337743-G-A.
Other names: short protein forms A15T.
Identifiers: ClinVar variation 1413008 (VCV001413008.7), dbSNP rs559181643, ClinGen allele CA9544376.